The following is an entry in ClinVar:

NM_000069.3(CACNA1S):c.1247A>G (p.Gln416Arg)

Gene: CACNA1S (calcium voltage-gated channel subunit alpha1 S; minus strand). Cytogenetic location: 1q32.1.
Variant type: single nucleotide variant.
Coding change: c.1247A>G on transcript NM_000069.3 (MANE Select); coding-DNA position 1247, A replaced by G.
Protein change: p.Gln416Arg; replaces glutamine 416 with arginine.
Molecular consequence: missense variant.
Genome position (GRCh38, 1-based): chr1:201,083,308, T>C on the plus strand (A>G on the coding strand, the complement: CACNA1S is on the minus strand). VCF-style: chr1-201083308-T-C. GRCh37 (hg19) VCF-style: chr1-201052436-T-C.
Other names: short protein forms Q416R.
Identifiers: ClinVar variation 1958415 (VCV001958415.2), dbSNP rs1457852047, ClinGen allele CA344126211.

ClinVar aggregate classification (germline): Uncertain significance (1 of 4 stars; one submission).

Conditions:
Malignant hyperthermia, susceptibility to, 5 (MHS5). Also called: CACNA1S-Related Malignant Hyperthermia Susceptibility. Identifiers: Orphanet 423, MedGen C1866077, MONDO:0011163, OMIM 601887.
Hypokalemic periodic paralysis, type 1. Also called: Hypokalemic Periodic Paralysis Type 1 (AD); HypoPP. Identifiers: Orphanet 681, MedGen C3714580, MONDO:0042979, OMIM 170400.

Allele frequency attached by ClinVar (database versions not stated): TOPMed 0.00001.

Submission:

Labcorp Genetics (formerly Invitae), Labcorp
Classification: Uncertain significance for Hypokalemic periodic paralysis, type 1; Malignant hyperthermia, susceptibility to, 5. Last evaluated: 2022-05-12. Review status: criteria provided, single submitter. Criteria: Invitae Variant Classification Sherloc (09022015). Collection method: clinical testing. Allele origin: germline.
Comment: This sequence change replaces glutamine, which is neutral and polar, with arginine, which is basic and polar, at codon 416 of the CACNA1S protein (p.Gln416Arg). This variant is not present in population databases (gnomAD no frequency). This variant has not been reported in the literature in individuals affected with CACNA1S-related conditions. Advanced modeling of protein sequence and biophysical properties (such as structural, functional, and spatial information, amino acid conservation, physicochemical variation, residue mobility, and thermodynamic stability) performed at Invitae indicates that this missense variant is not expected to disrupt CACNA1S protein function. In summary, the available evidence is currently insufficient to determine the role of this variant in disease. Therefore, it has been classified as a Variant of Uncertain Significance.